The following is an entry in ClinVar:

NM_001267550.2(TTN):c.66394G>C (p.Ala22132Pro)

Genes: TTN (titin; minus strand), TTN-AS1 (TTN antisense RNA 1; plus strand). Cytogenetic location: 2q31.2.
Variant type: single nucleotide variant.
Coding change: c.66394G>C on transcript NM_001267550.2 (MANE Select); coding-DNA position 66394, G replaced by C.
Protein change: p.Ala22132Pro; replaces alanine 22132 with proline.
Molecular consequence: missense variant.
Genome position (GRCh38, 1-based): chr2:178,581,975, C>G on the plus strand (G>C on the coding strand, the complement: TTN is on the minus strand). VCF-style: chr2-178581975-C-G. GRCh37 (hg19) VCF-style: chr2-179446702-C-G.
Other names: c.61471G>C, p.Ala20491Pro (NM_001256850.1); c.39199G>C, p.Ala13067Pro (NM_003319.4); c.58690G>C, p.Ala19564Pro (NM_133378.4); c.39574G>C, p.Ala13192Pro (NM_133432.3); c.39775G>C, p.Ala13259Pro (NM_133437.4); short protein forms A13192P, A13067P, A22132P, A13259P, A19564P, A20491P.
Identifiers: ClinVar variation 4983203 (VCV004983203.1).

ClinVar aggregate classification (germline): Uncertain significance (1 of 4 stars; one submission).

Conditions:
TTN-related disorder. Also called: TTN-related disorders; TTN-related condition; TTN-related disease.

gnomAD v4.1: 1 of 1,613,310 alleles (0.000062%); highest among the groups gnomAD compares: Non-Finnish European, 0.000085%; no homozygotes.

Submission:

PreventionGenetics, part of Exact Sciences
Classification: Uncertain significance for TTN-related condition. Last evaluated: 2026-06-09. Review status: criteria provided, single submitter. Criteria: ACMG Guidelines, 2015. Collection method: clinical testing. Allele origin: germline.
Comment: The TTN c.66394G>C variant is predicted to result in the amino acid substitution p.Ala22132Pro. To our knowledge, this variant has not been reported in the literature or in a large population database (gnomAD), indicating this variant is rare. At this time, the clinical significance of this variant is uncertain due to the absence of conclusive functional and genetic evidence.